The following is an entry in ClinVar:

NM_000492.4(CFTR):c.2009C>T (p.Ser670Leu)

Gene: CFTR (CF transmembrane conductance regulator; plus strand). Cytogenetic location: 7q31.2.
Variant type: single nucleotide variant.
Coding change: c.2009C>T on transcript NM_000492.4 (MANE Select); coding-DNA position 2009, C replaced by T.
Protein change: p.Ser670Leu; replaces serine 670 with leucine.
Molecular consequence: missense variant.
Genome position (GRCh38, 1-based): chr7:117,592,176, C>T. VCF-style: chr7-117592176-C-T. GRCh37 (hg19) VCF-style: chr7-117232230-C-T.
Other names: short protein forms S670L.
Identifiers: ClinVar variation 2453632 (VCV002453632.5), dbSNP rs2485109684, ClinGen allele CA368979208.

ClinVar aggregate classification (germline): Uncertain significance. Review status: criteria provided, multiple submitters, no conflicts (2 of 4 stars). 2 submissions from 2 submitters: Uncertain significance (2). Last evaluated 2023-01-03.

Conditions:
Cystic fibrosis (CF). Also called: MUCOVISCIDOSIS. Identifiers: Orphanet 586, MedGen C0010674, MONDO:0009061, OMIM 219700. Disease mechanism: loss of function.

Submissions (2):

Labcorp Genetics (formerly Invitae), Labcorp
Classification: Uncertain significance for Cystic fibrosis. Last evaluated: 2023-01-03. Review status: criteria provided, single submitter. Criteria: Invitae Variant Classification Sherloc (09022015). Collection method: clinical testing. Allele origin: germline.
Comment: This sequence change replaces serine, which is neutral and polar, with leucine, which is neutral and non-polar, at codon 670 of the CFTR protein (p.Ser670Leu). This variant is not present in population databases (gnomAD no frequency). This variant has not been reported in the literature in individuals affected with CFTR-related conditions. Advanced modeling of protein sequence and biophysical properties (such as structural, functional, and spatial information, amino acid conservation, physicochemical variation, residue mobility, and thermodynamic stability) performed at Invitae indicates that this missense variant is expected to disrupt CFTR protein function. In summary, the available evidence is currently insufficient to determine the role of this variant in disease. Therefore, it has been classified as a Variant of Uncertain Significance.

Ambry Genetics
Classification: Uncertain significance for Cystic fibrosis. Last evaluated: 2022-12-23. Review status: criteria provided, single submitter. Criteria: Ambry Variant Classification Scheme 2023. Collection method: clinical testing. Allele origin: germline.
Comment: The p.S670L variant (also known as c.2009C>T), located in coding exon 14 of the CFTR gene, results from a C to T substitution at nucleotide position 2009. The serine at codon 670 is replaced by leucine, an amino acid with dissimilar properties. This amino acid position is conserved. In addition, this alteration is predicted to be deleterious by in silico analysis. Since supporting evidence is limited at this time, the clinical significance of this alteration remains unclear.